The following is an entry in ClinVar:

ClinVar aggregate classification (germline): Pathogenic (1 of 4 stars; one submission).

Submission:

Labcorp Genetics (formerly Invitae), Labcorp
Classification: Pathogenic. Last evaluated: 2025-08-18. Review status: criteria provided, single submitter. Criteria: Invitae Variant Classification Sherloc (09022015). Collection method: clinical testing. Allele origin: germline.
Comment: This variant results in the deletion of part of exons 30 and 31 (c.3632_3974delinsGAC) of the POLE gene. This deletion is out-of-frame, and is expected to create a premature termination codon and result in an absent or disrupted protein product. Loss-of-function variants in POLE are known to be pathogenic (PMID: 23230001, 25948378, 30503519). This variant is not present in population databases (gnomAD no frequency). This variant has not been reported in the literature in individuals affected with POLE-related conditions. For these reasons, this variant has been classified as Pathogenic.

Literature cited by the submitters: PubMed 23230001; PubMed 25948378; PubMed 30503519.

NM_006231.4(POLE):c.3632_3974del343insGAC (p.Asp1211fs)

Gene: POLE (DNA polymerase epsilon, catalytic subunit; minus strand). Cytogenetic location: 12q24.33.
Variant type: Indel.
Coding change: c.3632_3974del343insGAC on transcript NM_006231.4 (MANE Select); coding-DNA positions 3632 to 3974, 343 bases deleted.
Protein change: p.Asp1211fs; shifts the reading frame from aspartic acid 1211.
Molecular consequence: frameshift variant, splice acceptor variant, splice donor variant.
Genome position: GRCh38: chr12:132,649,337-132,649,840. GRCh37 (hg19): chr12:133,225,923-133,226,426.
Other names: short protein forms D1211fs.
Identifiers: ClinVar variation 2134514 (VCV002134514.4), ClinGen allele CA2580086189.